The following is an entry in ClinVar:

NM_001401501.2(MUC16):c.39459C>A (p.Ser13153Arg)

Gene: MUC16 (mucin 16, cell surface associated; minus strand). Cytogenetic location: 19p13.2.
Variant type: single nucleotide variant.
Coding change: c.39459C>A on transcript NM_001401501.2 (MANE Select); coding-DNA position 39459, C replaced by A.
Protein change: p.Ser13153Arg; replaces serine 13153 with arginine.
Molecular consequence: missense variant.
Genome position (GRCh38, 1-based): chr19:8,897,603, G>T on the plus strand (C>A on the coding strand, the complement: MUC16 is on the minus strand). VCF-style: chr19-8897603-G-T. GRCh37 (hg19) VCF-style: chr19-9008279-G-T.
Other names: c.39885C>A, p.Ser13295Arg (NM_001414686.1); c.39339C>A, p.Ser13113Arg (NM_001414687.1); c.39273C>A, p.Ser13091Arg (NM_024690.2); short protein forms S13091R, S13113R, S13153R, S13295R.
Identifiers: ClinVar variation 3044893 (VCV003044893.2), dbSNP rs752512527, ClinGen allele CA9164113.
Genomic context (GRCh38, chr19:8,897,603, plus strand): 5'-TTTGATGCCATTGGTCATCTGGCTCAGCTGCCAGTACAGCTGCTCCCTGTCCAGTCCAGG[G>T]CTTTGAGGGTTAAGGTGGTGGGTGCAGATGGCATCCACTCCAGTGGCTGCCCCATCCTTC-3'
Protein context (NP_001388430.1, residues 13143-13163): AICTHHLNPQ[Ser13153Arg]PGLDREQLYW

ClinVar aggregate classification (germline): Benign (0 of 4 stars; one submission).

Conditions:
MUC16-related disorder. Also called: MUC16-related condition.

Allele frequency attached by ClinVar (database versions not stated): 1000 Genomes Project 30x 0.08245.

Submission:

PreventionGenetics, part of Exact Sciences
Classification: Benign for MUC16-related condition. Last evaluated: 2019-06-06. Review status: no assertion criteria provided. Collection method: clinical testing. Allele origin: germline.
Comment: This variant is classified as benign based on ACMG/AMP sequence variant interpretation guidelines (Richards et al. 2015 PMID: 25741868, with internal and published modifications).